The following is an entry in ClinVar:

ClinVar aggregate classification (germline): Uncertain significance. Review status: criteria provided, multiple submitters, no conflicts (2 of 4 stars). 2 submissions from 2 submitters: Uncertain significance (2). Last evaluated 2024-09-02.

gnomAD v4.1: 129 of 1,573,746 alleles (0.0082%); highest among the groups gnomAD compares: Middle Eastern, 0.017%; 1 homozygote.

Submissions (2):

Ambry Genetics
Classification: Uncertain significance. Last evaluated: 2024-09-02. Review status: criteria provided, single submitter. Criteria: Ambry Variant Classification Scheme 2023. Collection method: clinical testing. Allele origin: germline.

GeneDx
Classification: Uncertain significance. Last evaluated: 2024-04-05. Review status: criteria provided, single submitter. Criteria: GeneDx Variant Classification Process June 2021. Collection method: clinical testing. Allele origin: germline. Affected: yes.
Comment: In silico analysis supports that this missense variant has a deleterious effect on protein structure/function; Has not been previously published as pathogenic or benign to our knowledge

NM_001012759.3(CTU2):c.1442C>T (p.Pro481Leu)

Genes: CTU2 (cytosolic thiouridylase subunit 2; plus strand), PIEZO1 (piezo type mechanosensitive ion channel component 1 (Er blood group); minus strand). Cytogenetic location: 16q24.3.
Variant type: single nucleotide variant.
Coding change: c.1442C>T on transcript NM_001012759.3 (MANE Select); coding-DNA position 1442, C replaced by T.
Protein change: p.Pro481Leu; replaces proline 481 with leucine.
Molecular consequence: missense variant. On other transcripts: intron variant (1).
Genome position (GRCh38, 1-based): chr16:88,715,070, C>T. VCF-style: chr16-88715070-C-T. GRCh37 (hg19) VCF-style: chr16-88781478-C-T.
Other names: c.1655C>T, p.Pro552Leu (NM_001318507.2); c.1181C>T, p.Pro394Leu (NM_001318513.2); c.1420-112C>T (NM_001012762.3); short protein forms P394L, P481L, P552L.
Identifiers: ClinVar variation 3361930 (VCV003361930.2).